The following is an entry in ClinVar:

NM_017636.4(TRPM4):c.3354G>C (p.Glu1118Asp)

Gene: TRPM4 (transient receptor potential cation channel subfamily M member 4; plus strand). Cytogenetic location: 19q13.33.
Variant type: single nucleotide variant.
Coding change: c.3354G>C on transcript NM_017636.4 (MANE Select); coding-DNA position 3354, G replaced by C.
Protein change: p.Glu1118Asp; replaces glutamic acid 1118 with aspartic acid.
Molecular consequence: missense variant.
Genome position (GRCh38, 1-based): chr19:49,210,735, G>C. VCF-style: chr19-49210735-G-C. GRCh37 (hg19) VCF-style: chr19-49713992-G-C.
Other names: c.2919G>C, p.Glu973Asp (NM_001195227.2); c.3009G>C, p.Glu1003Asp (NM_001321281.2); c.1746G>C, p.Glu582Asp (NM_001321282.2); c.2832G>C, p.Glu944Asp (NM_001321283.2); c.2292G>C, p.Glu764Asp (NM_001321285.2); short protein forms E1003D, E1118D, E582D, E764D, E944D, E973D.
Identifiers: ClinVar variation 4841817 (VCV004841817.1).
Genomic context (GRCh38, chr19:49,210,735, plus strand): 5'-TGGCCTGAGCCCTTTGACTCCGCCCGCCCCTGCAGGGGTTTACCTTTCTAAGGAAGCCGA[G>C]CGGAAGCTGCTAACGTGGGAATCGGTGCATAAGGAGAACTTTCTGCTGGCACGCGCTAGG-3'
Protein context (NP_060106.2, residues 1108-1128): HFRVYLSKEA[Glu1118Asp]RKLLTWESVH

ClinVar aggregate classification (germline): Uncertain significance (1 of 4 stars; one submission).

Conditions:
Cardiovascular phenotype. Identifiers: MedGen CN230736.

gnomAD v4.1: 1 of 1,614,190 alleles (0.000062%); highest among the groups gnomAD compares: Non-Finnish European, 0.000085%; no homozygotes.

Submission:

Ambry Genetics
Classification: Uncertain significance for Cardiovascular phenotype. Last evaluated: 2025-12-16. Review status: criteria provided, single submitter. Criteria: Ambry Variant Classification Scheme 2023. Collection method: clinical testing. Allele origin: germline.
Comment: The p.E1118D variant (also known as c.3354G>C), located in coding exon 22 of the TRPM4 gene, results from a G to C substitution at nucleotide position 3354. The glutamic acid at codon 1118 is replaced by aspartic acid, an amino acid with highly similar properties. This amino acid position is conserved. In addition, this alteration is predicted to be tolerated by in silico analysis. Based on the available evidence, the clinical significance of this variant remains unclear.